The following is an entry in ClinVar:

NM_000393.5(COL5A2):c.507A>C (p.Gln169His)

Gene: COL5A2 (collagen type V alpha 2 chain; minus strand). Cytogenetic location: 2q32.2.
Variant type: single nucleotide variant.
Coding change: c.507A>C on transcript NM_000393.5 (MANE Select); coding-DNA position 507, A replaced by C.
Protein change: p.Gln169His; replaces glutamine 169 with histidine.
Molecular consequence: missense variant.
Genome position (GRCh38, 1-based): chr2:189,092,370, T>G on the plus strand (A>C on the coding strand, the complement: COL5A2 is on the minus strand). VCF-style: chr2-189092370-T-G. GRCh37 (hg19) VCF-style: chr2-189957096-T-G.
Other names: short protein forms Q169H.
Identifiers: ClinVar variation 3363807 (VCV003363807.1).

ClinVar aggregate classification (germline): Uncertain significance (1 of 4 stars; one submission).

gnomAD v4.1: 1 of 1,609,194 alleles (0.000062%); highest among the groups gnomAD compares: African/African-American, 0.0013%; no homozygotes.

Submission:

GeneDx
Classification: Uncertain significance. Last evaluated: 2023-11-03. Review status: criteria provided, single submitter. Criteria: GeneDx Variant Classification Process June 2021. Collection method: clinical testing. Allele origin: germline. Affected: yes.
Comment: Not observed at significant frequency in large population cohorts (gnomAD); In silico analysis supports that this missense variant does not alter protein structure/function; Has not been previously published as pathogenic or benign to our knowledge; Not located in the triple helical region, where the majority of pathogenic missense variants occur (PMID: 22696272); This variant is associated with the following publications: (PMID: 22696272)